The following is an entry in ClinVar:

NM_022124.6(CDH23):c.1133A>C (p.Glu378Ala)

Gene: CDH23 (cadherin related 23; plus strand). Cytogenetic location: 10q22.1.
Variant type: single nucleotide variant.
Coding change: c.1133A>C on transcript NM_022124.6 (MANE Select); coding-DNA position 1133, A replaced by C.
Protein change: p.Glu378Ala; replaces glutamic acid 378 with alanine.
Molecular consequence: missense variant.
Genome position (GRCh38, 1-based): chr10:71,617,392, A>C. VCF-style: chr10-71617392-A-C. GRCh37 (hg19) VCF-style: chr10-73377149-A-C.
Other names: c.1133A>C, p.Glu378Ala (NM_001171930.2, NM_001171931.2, NM_001171932.2 and 1 more transcripts); short protein forms E378A.
Identifiers: ClinVar variation 1446631 (VCV001446631.3), dbSNP rs750968216, ClinGen allele CA377122756.

ClinVar aggregate classification (germline): Uncertain significance (1 of 4 stars; one submission).

Submission:

Labcorp Genetics (formerly Invitae), Labcorp
Classification: Uncertain significance. Last evaluated: 2021-09-03. Review status: criteria provided, single submitter. Criteria: Invitae Variant Classification Sherloc (09022015). Collection method: clinical testing. Allele origin: germline.
Comment: This sequence change replaces glutamic acid with alanine at codon 378 of the CDH23 protein (p.Glu378Ala). The glutamic acid residue is highly conserved and there is a moderate physicochemical difference between glutamic acid and alanine. This variant is not present in population databases (ExAC no frequency). This variant has not been reported in the literature in individuals affected with CDH23-related conditions. Algorithms developed to predict the effect of missense changes on protein structure and function are either unavailable or do not agree on the potential impact of this missense change (SIFT: "Deleterious"; PolyPhen-2: "Not Available"; Align-GVGD: "Class C65"). In summary, the available evidence is currently insufficient to determine the role of this variant in disease. Therefore, it has been classified as a Variant of Uncertain Significance.